The following is an entry in ClinVar:

NM_006231.4(POLE):c.3572G>T (p.Gly1191Val)

Gene: POLE (DNA polymerase epsilon, catalytic subunit; minus strand). Cytogenetic location: 12q24.33.
Variant type: single nucleotide variant.
Coding change: c.3572G>T on transcript NM_006231.4 (MANE Select); coding-DNA position 3572, G replaced by T.
Protein change: p.Gly1191Val; replaces glycine 1191 with valine.
Molecular consequence: missense variant.
Genome position (GRCh38, 1-based): chr12:132,657,146, C>A on the plus strand (G>T on the coding strand, the complement: POLE is on the minus strand). VCF-style: chr12-132657146-C-A. GRCh37 (hg19) VCF-style: chr12-133233732-C-A.
Other names: c.3572G>T (NM_006231.2); short protein forms G1191V.
Identifiers: ClinVar variation 540686 (VCV000540686.11), dbSNP rs1429556469, ClinGen allele CA387388312.

ClinVar aggregate classification (germline): Uncertain significance. Review status: criteria provided, multiple submitters, no conflicts (2 of 4 stars). 3 submissions from 3 submitters: Uncertain significance (3). Last evaluated 2025-10-21.

Allele frequency attached by ClinVar (database versions not stated): gnomAD exomes below 0.00001; TOPMed below 0.00001.
gnomAD v4.1: 3 of 1,614,010 alleles (0.00019%); highest among the groups gnomAD compares: Admixed American, 0.0017%; no homozygotes.

Submissions (3):

Women's Health and Genetics/Laboratory Corporation of America, LabCorp
Classification: Uncertain significance. Last evaluated: 2025-10-21. Review status: criteria provided, single submitter. Criteria: LabCorp Variant Classification Summary - May 2015. Collection method: clinical testing. Allele origin: germline.

Labcorp Genetics (formerly Invitae), Labcorp
Classification: Uncertain significance. Last evaluated: 2024-03-27. Review status: criteria provided, single submitter. Criteria: Invitae Variant Classification Sherloc (09022015). Collection method: clinical testing. Allele origin: germline.
Comment: This sequence change replaces glycine, which is neutral and non-polar, with valine, which is neutral and non-polar, at codon 1191 of the POLE protein (p.Gly1191Val). This variant is present in population databases (no rsID available, gnomAD 0.003%). This variant has not been reported in the literature in individuals affected with POLE-related conditions. ClinVar contains an entry for this variant (Variation ID: 540686). Advanced modeling of protein sequence and biophysical properties (such as structural, functional, and spatial information, amino acid conservation, physicochemical variation, residue mobility, and thermodynamic stability) performed at Invitae indicates that this missense variant is not expected to disrupt POLE protein function with a negative predictive value of 80%. Algorithms developed to predict the effect of sequence changes on RNA splicing suggest that this variant may create or strengthen a splice site. In summary, the available evidence is currently insufficient to determine the role of this variant in disease. Therefore, it has been classified as a Variant of Uncertain Significance.

GeneDx
Classification: Uncertain significance. Last evaluated: 2019-10-11. Review status: criteria provided, single submitter. Criteria: GeneDx Variant Classification Process June 2021. Collection method: clinical testing. Allele origin: germline. Affected: yes.
Comment: Has not been previously published as pathogenic or benign to our knowledge; Not observed at a significant frequency in large population cohorts (Lek 2016); While protein-based in silico analysis supports that this variant does not alter protein structure/function, splice predictors support a deleterious effect. However, in the absence of RNA or functional studies, the actual effect of this sequence change is unknown